The following is an entry in ClinVar:

NM_001148.6(ANK2):c.1702C>A (p.His568Asn)

Gene: ANK2 (ankyrin 2; plus strand). Cytogenetic location: 4q26.
Variant type: single nucleotide variant.
Coding change: c.1702C>A on transcript NM_001148.6 (MANE Select); coding-DNA position 1702, C replaced by A.
Protein change: p.His568Asn; replaces histidine 568 with asparagine.
Molecular consequence: missense variant.
Genome position (GRCh38, 1-based): chr4:113,277,855, C>A. VCF-style: chr4-113277855-C-A. GRCh37 (hg19) VCF-style: chr4-114199011-C-A.
Other names: c.1639C>A, p.His547Asn (NM_001127493.3, NM_001354239.2, NM_001354243.2 and 14 more transcripts); c.1702C>A, p.His568Asn (NM_001354225.2, NM_001354228.2, NM_001354232.2 and 8 more transcripts); c.1747C>A, p.His583Asn (NM_001354230.2, NM_001354231.2, NM_001354237.2 and 5 more transcripts); c.1615C>A, p.His539Asn (NM_001354249.2, NM_001354260.2, NM_001354264.2 and 13 more transcripts); c.1660C>A, p.His554Asn (NM_001354261.2, NM_001386147.1, NM_001386160.1); c.1492C>A, p.His498Asn (NM_001354269.3); c.1504C>A, p.His502Asn (NM_001354273.2); c.1417C>A, p.His473Asn (NM_001354277.2, NM_001386157.1, NM_001386158.1); and 4 more; short protein forms H473N, H498N, H502N, H539N, H547N, H554N, H556N, H564N.
Identifiers: ClinVar variation 3371827 (VCV003371827.2).

ClinVar aggregate classification (germline): Uncertain significance (1 of 4 stars; one submission).

Submission:

GeneDx
Classification: Uncertain significance. Last evaluated: 2025-04-24. Review status: criteria provided, single submitter. Criteria: GeneDx Variant Classification Process June 2021. Collection method: clinical testing. Allele origin: germline. Affected: yes.
Comment: Not observed at significant frequency in large population cohorts (gnomAD); In silico analysis supports that this missense variant has a deleterious effect on protein structure/function; Has not been previously published as pathogenic or benign to our knowledge